The following is an entry in ClinVar:

NM_001164508.2(NEB):c.25204A>G (p.Ile8402Val)

Genes: NEB (nebulin; minus strand), RIF1 (replication timing regulatory factor 1; plus strand). Cytogenetic location: 2q23.3.
Variant type: single nucleotide variant.
Coding change: c.25204A>G on transcript NM_001164508.2 (MANE Select); coding-DNA position 25204, A replaced by G.
Protein change: p.Ile8402Val; replaces isoleucine 8402 with valine.
Molecular consequence: missense variant.
Genome position (GRCh38, 1-based): chr2:151,490,465, T>C on the plus strand (A>G on the coding strand, the complement: NEB is on the minus strand). VCF-style: chr2-151490465-T-C. GRCh37 (hg19) VCF-style: chr2-152346979-T-C.
Other names: c.25204A>G, p.Ile8402Val (NM_001164507.2); c.25309A>G, p.Ile8437Val (NM_001271208.2); c.19636A>G, p.Ile6546Val (NM_004543.5); short protein forms I6546V, I8437V, I8402V.
Identifiers: ClinVar variation 95126 (VCV000095126.33), dbSNP rs1061305, ClinGen allele CA148226.
Genomic context (GRCh38, chr2:151,490,465, plus strand): 5'-AAGTCGAAAGGTGGTGGTCTGGTGCTTCTGAATGCTCAGACTTCTCCTCACCCCCACTGA[T>C]GCTTAGTGCACTGGCAGATCGTGACTGCTCCCGGCTCCGGCGCTGAGCTTGGACTGGGAG-3'
Protein context (NP_001157980.2, residues 8392-8412): EQSRSASALS[Ile8402Val]SGGEEKSEHS

ClinVar aggregate classification (germline): Benign/Likely benign. Review status: criteria provided, multiple submitters, no conflicts (2 of 4 stars). 14 submissions from 13 submitters: Benign (11); Likely benign (1). 2 of the submissions do not count toward it. Last evaluated 2026-02-04.

Conditions:
Arthrogryposis multiplex congenita 6. Identifiers: MedGen C5543431, MONDO:0030281, OMIM 619334.
Nemaline myopathy 2 (NEM2). Also called: Nemaline myopathy 2, autosomal recessive. Identifiers: MedGen C1850569, MONDO:0009725, OMIM 256030.

Allele frequency attached by ClinVar (database versions not stated): 1000 Genomes Project 0.33427; 1000 Genomes Project 30x 0.33854; gnomAD exomes 0.36634 and 0.40337; gnomAD 0.39905 and 0.40617; TOPMed 0.40119; ExAC 0.41358; ESP Exome Variant Server 0.41878.
gnomAD v4.1: 645,501 of 1,606,238 alleles (40%); highest among the groups gnomAD compares: African/African-American, 44%; 132,868 homozygotes.

Submissions (14):

Labcorp Genetics (formerly Invitae), Labcorp
Classification: Benign for Nemaline myopathy 2. Last evaluated: 2026-02-04. Review status: criteria provided, single submitter. Criteria: Invitae Variant Classification Sherloc (09022015). Collection method: clinical testing. Allele origin: germline.

Blueprint Genetics
Classification: Likely benign. Last evaluated: 2024-11-26. Review status: criteria provided, single submitter. Criteria: ACMG Guidelines, 2015. Collection method: clinical testing. Allele origin: germline.

Genome-Nilou Lab
Classification: Benign for Arthrogryposis multiplex congenita 6. Last evaluated: 2021-07-10. Review status: criteria provided, single submitter. Criteria: ACMG Guidelines, 2015. Collection method: clinical testing. Allele origin: germline. Affected: no.

Genome-Nilou Lab
Classification: Benign for Nemaline myopathy 2. Last evaluated: 2021-07-10. Review status: criteria provided, single submitter. Criteria: ACMG Guidelines, 2015. Collection method: clinical testing. Allele origin: germline. Affected: no.

Illumina Laboratory Services, Illumina
Classification: Benign for Nemaline myopathy 2. Last evaluated: 2018-01-13. Review status: criteria provided, single submitter. Criteria: ICSL Variant Classification Criteria 13 December 2019. Collection method: clinical testing. Allele origin: germline.
Comment: This variant was observed in the ICSL laboratory as part of a predisposition screen in an ostensibly healthy population. It had not been previously curated by ICSL or reported in the Human Gene Mutation Database (HGMD: prior to June 1st, 2018), and was therefore a candidate for classification through an automated scoring system. Utilizing variant allele frequency, disease prevalence and penetrance estimates, and inheritance mode, an automated score was calculated to assess if this variant is too frequent to cause the disease. Based on the score and internal cut-off values, a variant classified as benign is not then subjected to further curation. The score for this variant resulted in a classification of benign for this disease.

Mayo Clinic Laboratories, Mayo Clinic
Classification: Benign. Last evaluated: 2017-07-20. Review status: criteria provided, single submitter. Criteria: ACMG Guidelines, 2015. Collection method: clinical testing. Allele origin: germline. Observed: 408 variant alleles.

Women's Health and Genetics/Laboratory Corporation of America, LabCorp
Classification: Benign. Last evaluated: 2017-02-27. Review status: criteria provided, single submitter. Criteria: LabCorp Variant Classification Summary - May 2015. Collection method: clinical testing. Allele origin: germline.
Comment: Variant summary: The NEB c.25309A>G (p.Ile8437Val) variant involves the alteration of a non-conserved nucleotide. 4/4 in silico tools predict a benign outcome for this variant (SNPs&GO not functioning). This variant was found in 40099/96956 control chromosomes (7524 homozygotes) at a frequency of 0.4135794, which is approximately 117 times the estimated maximal expected allele frequency of a pathogenic NEB variant (0.0035355), evidence that this variant is a benign polymorphism. In addition, multiple clinical diagnostic laboratories/reputable databases classified this variant as benign. Taken together, this variant is classified as benign.

GeneDx
Classification: Benign. Last evaluated: 2016-01-05. Review status: criteria provided, single submitter. Criteria: GeneDx Variant Classification (06012015). Collection method: clinical testing. Allele origin: germline. Affected: yes.
Comment: This variant is considered likely benign or benign based on one or more of the following criteria: it is a conservative change, it occurs at a poorly conserved position in the protein, it is predicted to be benign by multiple in silico algorithms, and/or has population frequency not consistent with disease.

Laboratory for Molecular Medicine, Mass General Brigham Personalized Medicine
Classification: Benign. Last evaluated: 2014-11-26. Review status: criteria provided, single submitter. Criteria: LMM Criteria. Collection method: clinical testing. Allele origin: germline. Observed: 11 variant alleles.
Comment: p.Ile8437Val in exon 181 of NEB: This variant is not expected to have clinical s ignificance because it has been identified in 41% (3495/8422) of European Americ an chromosomes by the NHLBI Exome Sequencing Project (du/EVS/; dbSNP rs1061305).

Eurofins Ntd Llc (ga)
Classification: Benign. Last evaluated: 2013-04-05. Review status: criteria provided, single submitter. Criteria: EGL Classification Definitions 2015. Collection method: clinical testing. Allele origin: germline. Observed: 4 variant alleles, 2 heterozygotes, 2 homozygotes.

Breakthrough Genomics
Classification: Benign. Review status: criteria provided, single submitter. Criteria: ACMG Guidelines, 2015. Collection method: not provided. Allele origin: germline. Inheritance: Autosomal recessive inheritance. Affected: yes.

PreventionGenetics, part of Exact Sciences
Classification: Benign. Review status: criteria provided, single submitter. Criteria: ACMG Guidelines, 2015. Collection method: clinical testing. Allele origin: germline.

Natera, Inc.
Classification: Benign for Nemaline myopathy type 2. Last evaluated: 2020-09-16. Review status: no assertion criteria provided. Collection method: clinical testing. Allele origin: germline. Not counted in ClinVar's aggregate classification.

Genetic Services Laboratory, University of Chicago
Classification: Likely benign for AllHighlyPenetrant. Review status: no assertion criteria provided. Collection method: clinical testing. Allele origin: germline. Inheritance: Autosomal recessive inheritance. Not counted in ClinVar's aggregate classification.
Comment: Likely benign based on allele frequency in 1000 Genomes Project or ESP global frequency and its presence in a patient with a rare or unrelated disease phenotype. NOT Sanger confirmed.